The following is an entry in ClinVar:

ClinVar aggregate classification (germline): Uncertain significance (1 of 4 stars; one submission).

Conditions:
Orthostatic hypotension 1 (ORTHYP1). Also called: NORADRENALINE DEFICIENCY; NOREPINEPHRINE DEFICIENCY; Dopamine beta-hydroxylase deficiency; Orthostatic hypotension 1, due to DBH deficiency. Identifiers: Orphanet 230, MedGen C4746777, MONDO:0009123, OMIM 223360.

Allele frequency attached by ClinVar (database versions not stated): gnomAD 0.00001; gnomAD exomes 0.00001; TOPMed 0.00001.

Submission:

Labcorp Genetics (formerly Invitae), Labcorp
Classification: Uncertain significance for Orthostatic hypotension 1. Last evaluated: 2021-08-20. Review status: criteria provided, single submitter. Criteria: Invitae Variant Classification Sherloc (09022015). Collection method: clinical testing. Allele origin: germline.
Comment: This variant has not been reported in the literature in individuals affected with DBH-related conditions. In summary, the available evidence is currently insufficient to determine the role of this variant in disease. Therefore, it has been classified as a Variant of Uncertain Significance. Algorithms developed to predict the effect of missense changes on protein structure and function (SIFT, PolyPhen-2, Align-GVGD) all suggest that this variant is likely to be tolerated. This variant is not present in population databases (ExAC no frequency). This sequence change replaces serine with glycine at codon 275 of the DBH protein (p.Ser275Gly). The serine residue is weakly conserved and there is a small physicochemical difference between serine and glycine.

NM_000787.4(DBH):c.823A>G (p.Ser275Gly)

Gene: DBH (dopamine beta-hydroxylase; plus strand). Cytogenetic location: 9q34.2.
Variant type: single nucleotide variant.
Coding change: c.823A>G on transcript NM_000787.4 (MANE Select); coding-DNA position 823, A replaced by G.
Protein change: p.Ser275Gly; replaces serine 275 with glycine.
Molecular consequence: missense variant.
Genome position (GRCh38, 1-based): chr9:133,643,491, A>G. VCF-style: chr9-133643491-A-G. GRCh37 (hg19) VCF-style: chr9-136508613-A-G.
Other names: short protein forms S275G.
Identifiers: ClinVar variation 1413995 (VCV001413995.6), dbSNP rs1384762607, ClinGen allele CA375414298.
Genomic context (GRCh38, chr9:133,643,491, plus strand): 5'-AAGGGCAATGAGGCCCTTGTCCACCACATGGAAGTCTTCCAGTGCGCCCCCGAGATGGAC[A>G]GCGTCCCCCACTTCAGCGGGCCCTGCGACTCCAAGATGAAACCCGACCGCCTCAACTACT-3'
Protein context (NP_000778.3, residues 265-285): EVFQCAPEMD[Ser275Gly]VPHFSGPCDS